The following is an entry in ClinVar:

ClinVar aggregate classification (germline): Uncertain significance. Review status: criteria provided, multiple submitters, no conflicts (2 of 4 stars). 2 submissions from 2 submitters: Uncertain significance (2). Last evaluated 2023-12-21.

Conditions:
Congenital myasthenic syndrome 9. Also called: Myasthenic syndrome, congenital, 9, associated with acetylcholine receptor deficiency. Identifiers: Orphanet 590, MedGen C4225368, MONDO:0014587, OMIM 616325.
Fetal akinesia deformation sequence 1 (FADS1). Also called: Fetal akinesia sequence; Pena-Shokeir syndrome type I. Identifiers: Orphanet 994, MedGen C1276035, MONDO:0100101, OMIM 208150, HP:0001989.

Allele frequency attached by ClinVar (database versions not stated): TOPMed 0.00002.
gnomAD v4.1: 46 of 1,600,620 alleles (0.0029%); highest among the groups gnomAD compares: Middle Eastern, 0.017%; no homozygotes.

Submissions (2):

Mayo Clinic Laboratories, Mayo Clinic
Classification: Uncertain significance. Last evaluated: 2023-12-21. Review status: criteria provided, single submitter. Criteria: ACMG Guidelines, 2015. Collection method: clinical testing. Allele origin: germline. Observed: 1 variant allele.
Comment: BP4

Labcorp Genetics (formerly Invitae), Labcorp
Classification: Uncertain significance for Congenital myasthenic syndrome 9; Fetal akinesia deformation sequence 1. Last evaluated: 2022-04-22. Review status: criteria provided, single submitter. Criteria: Invitae Variant Classification Sherloc (09022015). Collection method: clinical testing. Allele origin: germline.
Comment: This sequence change replaces valine, which is neutral and non-polar, with methionine, which is neutral and non-polar, at codon 829 of the MUSK protein (p.Val829Met). This variant is present in population databases (rs578430, gnomAD 0.003%). This variant has not been reported in the literature in individuals affected with MUSK-related conditions. ClinVar contains an entry for this variant (Variation ID: 1021233). Advanced modeling of protein sequence and biophysical properties (such as structural, functional, and spatial information, amino acid conservation, physicochemical variation, residue mobility, and thermodynamic stability) performed at Invitae indicates that this missense variant is not expected to disrupt MUSK protein function. In summary, the available evidence is currently insufficient to determine the role of this variant in disease. Therefore, it has been classified as a Variant of Uncertain Significance.

Literature cited by the submitters: PubMed 20544919 (cited by Mayo Clinic Laboratories, Mayo Clinic).

NM_005592.4(MUSK):c.2485G>A (p.Val829Met)

Gene: MUSK (muscle associated receptor tyrosine kinase; plus strand). Cytogenetic location: 9q31.3.
Variant type: single nucleotide variant.
Coding change: c.2485G>A on transcript NM_005592.4 (MANE Select); coding-DNA position 2485, G replaced by A.
Protein change: p.Val829Met; replaces valine 829 with methionine.
Molecular consequence: missense variant.
Genome position (GRCh38, 1-based): chr9:110,800,863, G>A. VCF-style: chr9-110800863-G-A. GRCh37 (hg19) VCF-style: chr9-113563143-G-A.
Other names: p.Val829Met; c.2227G>A, p.Val743Met (NM_001166280.2); c.2197G>A, p.Val733Met (NM_001166281.2); c.1225G>A, p.Val409Met (NM_001369398.1); short protein forms V409M, V733M, V743M, V829M.
Identifiers: ClinVar variation 1021233 (VCV001021233.7), dbSNP rs578430, ClinGen allele CA5184639.